The following is an entry in ClinVar:

ClinVar aggregate classification (germline): Conflicting classifications of pathogenicity. Review status: criteria provided, conflicting classifications (1 of 4 stars). 5 submissions from 5 submitters: Uncertain significance (2); Likely benign (2). 1 of the submissions does not count toward it. Last evaluated 2024-04-30.

Conditions:
Hereditary cancer-predisposing syndrome. Also called: Hereditary Cancer Syndrome; Neoplastic Syndromes, Hereditary; Hereditary neoplastic syndrome; Tumor predisposition. Identifiers: Orphanet 140162, MedGen C0027672, MeSH D009386, MONDO:0015356.
Hereditary breast ovarian cancer syndrome. Also called: Breast and ovarian cancer; Hereditary breast and/or ovarian cancer syndrome; Hereditary breast and ovarian cancer; Hereditary breast and ovarian cancer syndrome; Hereditary breast and ovarian cancer syndrome (HBOC); BRCA1- and BRCA2-Associated Hereditary Breast and Ovarian Cancer. Identifiers: Orphanet 145, MedGen C0677776, MeSH D061325, MONDO:0003582. Disease mechanism: loss of function.
Breast-ovarian cancer, familial, susceptibility to, 2 (BROVCA2). Also called: BRCA2 Hereditary Breast and Ovarian Cancer. Identifiers: Orphanet 145, MedGen C2675520, MONDO:0012933, OMIM 612555. Disease mechanism: loss of function.

Allele frequency attached by ClinVar (database versions not stated): gnomAD exomes below 0.00001.
gnomAD v4.1: 1 of 1,614,072 alleles (0.000062%); highest among the groups gnomAD compares: Non-Finnish European, 0.000085%; no homozygotes.

Submissions (5):

Labcorp Genetics (formerly Invitae), Labcorp
Classification: Uncertain significance for Hereditary breast ovarian cancer syndrome. Last evaluated: 2024-04-30. Review status: criteria provided, single submitter. Criteria: Invitae Variant Classification Sherloc (09022015). Collection method: clinical testing. Allele origin: germline.
Comment: This sequence change replaces glycine, which is neutral and non-polar, with alanine, which is neutral and non-polar, at codon 1184 of the BRCA2 protein (p.Gly1184Ala). This variant is not present in population databases (gnomAD no frequency). This missense change has been observed in individual(s) with breast and ovarian cancer (PMID: 32438681). ClinVar contains an entry for this variant (Variation ID: 96794). Advanced modeling of protein sequence and biophysical properties (such as structural, functional, and spatial information, amino acid conservation, physicochemical variation, residue mobility, and thermodynamic stability) performed at Invitae indicates that this missense variant is not expected to disrupt BRCA2 protein function with a negative predictive value of 95%. In summary, the available evidence is currently insufficient to determine the role of this variant in disease. Therefore, it has been classified as a Variant of Uncertain Significance.

Ambry Genetics
Classification: Likely benign for Hereditary cancer-predisposing syndrome. Last evaluated: 2024-02-22. Review status: criteria provided, single submitter. Criteria: Ambry Variant Classification Scheme 2023. Collection method: clinical testing. Allele origin: germline.

Color Diagnostics, LLC DBA Color Health
Classification: Uncertain significance for Hereditary cancer-predisposing syndrome. Last evaluated: 2023-04-11. Review status: criteria provided, single submitter. Criteria: ACMG Guidelines, 2015. Collection method: clinical testing. Allele origin: germline.
Comment: This missense variant replaces glycine with alanine at codon 1184 of the BRCA2 protein. Computational prediction suggests that this variant may not impact protein structure and function (internally defined REVEL score threshold <= 0.5, PMID: 27666373). To our knowledge, functional studies have not been reported for this variant. This variant has been reported in an individual affected with breast or ovarian cancer (PMID: 32438681). This variant has not been identified in the general population by the Genome Aggregation Database (gnomAD). The available evidence is insufficient to determine the role of this variant in disease conclusively. Therefore, this variant is classified as a Variant of Uncertain Significance.

University of Washington Department of Laboratory Medicine, University of Washington
Classification: Likely benign for Hereditary cancer-predisposing syndrome. Last evaluated: 2023-03-23. Review status: criteria provided, single submitter. Criteria: Dines et al. (Genet Med. 2020). Collection method: curation. Allele origin: germline.
Comment: Missense variant in a coldspot region where missense variants are very unlikely to be pathogenic (PMID:31911673).

BRCA2 exon 11 coldspot. Reclassification based on statistical prior probability.

Sharing Clinical Reports Project (SCRP)
Classification: Uncertain significance for Breast-ovarian cancer, familial 2. Last evaluated: 2011-03-09. Review status: no assertion criteria provided. Collection method: clinical testing. Allele origin: germline. Not counted in ClinVar's aggregate classification.

Literature cited by the submitters: PubMed 32438681 (cited by Labcorp Genetics (formerly Invitae), Labcorp and Color Diagnostics, LLC DBA Color Health).

NM_000059.4(BRCA2):c.3551G>C (p.Gly1184Ala)

Gene: BRCA2 (BRCA2 DNA repair associated; plus strand). Cytogenetic location: 13q13.1.
Variant type: single nucleotide variant.
Coding change: c.3551G>C on transcript NM_000059.4 (MANE Select); coding-DNA position 3551, G replaced by C.
Protein change: p.Gly1184Ala; replaces glycine 1184 with alanine.
Molecular consequence: missense variant.
Genome position (GRCh38, 1-based): chr13:32,337,906, G>C. VCF-style: chr13-32337906-G-C. GRCh37 (hg19) VCF-style: chr13-32912043-G-C.
Other names: 3779G>C; short protein forms G1184A.
Identifiers: ClinVar variation 96794 (VCV000096794.20), dbSNP rs431825309, ClinGen allele CA018307.